The following is an entry in ClinVar:

NM_001142800.2(EYS):c.8983A>G (p.Ile2995Val)

Genes: EYS (EGF-like photoreceptor maintenance factor; minus strand), PHF3 (PHD finger protein 3; plus strand). Cytogenetic location: 6q12.
Variant type: single nucleotide variant.
Coding change: c.8983A>G on transcript NM_001142800.2 (MANE Select); coding-DNA position 8983, A replaced by G.
Protein change: p.Ile2995Val; replaces isoleucine 2995 with valine.
Molecular consequence: missense variant. On other transcripts: 3 prime UTR variant (5).
Genome position (GRCh38, 1-based): chr6:63,721,048, T>C on the plus strand (A>G on the coding strand, the complement: EYS is on the minus strand). VCF-style: chr6-63721048-T-C. GRCh37 (hg19) VCF-style: chr6-64430944-T-C.
Other names: c.*7340T>C (NM_001290259.2, NM_001370348.2, NM_001370349.2 and 2 more transcripts); c.9046A>G, p.Ile3016Val (NM_001292009.2); short protein forms I3016V, I2995V.
Identifiers: ClinVar variation 1903267 (VCV001903267.3), dbSNP rs1009238158, ClinGen allele CA140236813.

ClinVar aggregate classification (germline): Uncertain significance. Review status: criteria provided, multiple submitters, no conflicts (2 of 4 stars). 2 submissions from 2 submitters: Uncertain significance (2). Last evaluated 2022-04-21.

Submissions (2):

Labcorp Genetics (formerly Invitae), Labcorp
Classification: Uncertain significance. Last evaluated: 2022-04-21. Review status: criteria provided, single submitter. Criteria: Invitae Variant Classification Sherloc (09022015). Collection method: clinical testing. Allele origin: germline.
Comment: This sequence change replaces isoleucine, which is neutral and non-polar, with valine, which is neutral and non-polar, at codon 2995 of the EYS protein (p.Ile2995Val). This variant is not present in population databases (gnomAD no frequency). This variant has not been reported in the literature in individuals affected with EYS-related conditions. Algorithms developed to predict the effect of missense changes on protein structure and function are either unavailable or do not agree on the potential impact of this missense change (SIFT: "Tolerated"; PolyPhen-2: "Possibly Damaging"; Align-GVGD: "Class C0"). This variant disrupts the p.Ile2995 amino acid residue in EYS. Other variant(s) that disrupt this residue have been determined to be pathogenic (PMID: 20537394, 29159838; Invitae). This suggests that this residue is clinically significant, and that variants that disrupt this residue are likely to be disease-causing. In summary, the available evidence is currently insufficient to determine the role of this variant in disease. Therefore, it has been classified as a Variant of Uncertain Significance.

Blueprint Genetics
Classification: Uncertain significance. Last evaluated: 2021-09-24. Review status: criteria provided, single submitter. Criteria: ACMG Guidelines, 2015. Collection method: clinical testing. Allele origin: germline.

Literature cited by the submitters: PubMed 20537394 (cited by Labcorp Genetics (formerly Invitae), Labcorp); PubMed 29159838 (cited by Labcorp Genetics (formerly Invitae), Labcorp).